The following is an entry in ClinVar:

ClinVar aggregate classification (germline): Uncertain significance. Review status: criteria provided, multiple submitters, no conflicts (2 of 4 stars). 5 submissions from 5 submitters: Uncertain significance (5). Last evaluated 2026-03-05.

Conditions:
Bethlem myopathy 1A. Also called: MYOPATHY, BENIGN CONGENITAL, WITH CONTRACTURES; Bethlem Muscular Dystrophy; Bethlem myopathy 1. Identifiers: Orphanet 610, MedGen CN029274, MONDO:0024530, OMIM 158810.

Allele frequency attached by ClinVar (database versions not stated): gnomAD exomes below 0.00001 and 0.00001; TOPMed below 0.00001.
gnomAD v4.1: 11 of 1,605,354 alleles (0.00069%); highest among the groups gnomAD compares: Middle Eastern, 0.016%; no homozygotes.

Submissions (5):

Women's Health and Genetics/Laboratory Corporation of America, LabCorp
Classification: Uncertain significance. Last evaluated: 2026-03-05. Review status: criteria provided, single submitter. Criteria: LabCorp Variant Classification Summary - May 2015. Collection method: clinical testing. Allele origin: germline.
Comment: Variant summary: COL6A2 c.2371G>A (p.Asp791Asn) results in a conservative amino acid change in the encoded protein sequence. Algorithms developed to predict the effect of missense changes on protein structure and function are either unavailable or do not agree on the potential impact of this missense change. The variant allele was found at a frequency of 4.1e-06 in 244210 control chromosomes (gnomAD). The available data on variant occurrences in the general population are insufficient to allow any conclusion about variant significance. c.2371G>A has been observed in individuals affected with myopathy or muscular dystrophy (Asteggiano_2018, Cavdarl_2023). These data do not allow any conclusion about variant significance. To our knowledge, no experimental evidence demonstrating an impact on protein function has been reported. The following publications have been ascertained in the context of this evaluation (PMID: 30397276, 36575883). ClinVar contains an entry for this variant (Variation ID: 543003). Based on the evidence outlined above, the variant was classified as uncertain significance.

Revvity Omics, Revvity
Classification: Uncertain significance. Last evaluated: 2025-03-28. Review status: criteria provided, single submitter. Criteria: ACMG Guidelines, 2015. Collection method: clinical testing. Allele origin: germline.

Labcorp Genetics (formerly Invitae), Labcorp
Classification: Uncertain significance for Bethlem myopathy 1A. Last evaluated: 2025-02-04. Review status: criteria provided, single submitter. Criteria: Invitae Variant Classification Sherloc (09022015). Collection method: clinical testing. Allele origin: germline.
Comment: This sequence change replaces aspartic acid, which is acidic and polar, with asparagine, which is neutral and polar, at codon 791 of the COL6A2 protein (p.Asp791Asn). This variant is present in population databases (no rsID available, gnomAD 0.0009%). This missense change has been observed in individual(s) with COL6A2-related conditions (PMID: 36575883). ClinVar contains an entry for this variant (Variation ID: 543003). Invitae Evidence Modeling of protein sequence and biophysical properties (such as structural, functional, and spatial information, amino acid conservation, physicochemical variation, residue mobility, and thermodynamic stability) has been performed for this missense variant. However, the output from this modeling did not meet the statistical confidence thresholds required to predict the impact of this variant on COL6A2 protein function. In summary, the available evidence is currently insufficient to determine the role of this variant in disease. Therefore, it has been classified as a Variant of Uncertain Significance.

GeneDx
Classification: Uncertain significance. Last evaluated: 2024-12-12. Review status: criteria provided, single submitter. Criteria: GeneDx Variant Classification Process June 2021. Collection method: clinical testing. Allele origin: germline. Affected: yes.
Comment: Observed in a patient with skeletal dysplasia, macrocephaly, cataracts, and chronic kidney failure who harbored a second COL6A2 variant through exome sequencing in the published literature (PMID: 30397276); Not observed at significant frequency in large population cohorts (gnomAD); In silico analysis supports that this missense variant has a deleterious effect on protein structure/function; This variant is associated with the following publications: (PMID: 30397276, 36575883)

Breakthrough Genomics
Classification: Uncertain significance. Review status: criteria provided, single submitter. Criteria: ACMG Guidelines, 2015. Collection method: not provided. Allele origin: germline. Inheritance: Autosomal dominant inheritance. Affected: yes.

Literature cited by the submitters: PubMed 36575883 (cited by Women's Health and Genetics/Laboratory Corporation of America, LabCorp and Labcorp Genetics (formerly Invitae), Labcorp); PubMed 30397276 (cited by Women's Health and Genetics/Laboratory Corporation of America, LabCorp).

NM_001849.4(COL6A2):c.2371G>A (p.Asp791Asn)

Gene: COL6A2 (collagen type VI alpha 2 chain; plus strand). Cytogenetic location: 21q22.3.
Variant type: single nucleotide variant.
Coding change: c.2371G>A on transcript NM_001849.4 (MANE Select); coding-DNA position 2371, G replaced by A.
Protein change: p.Asp791Asn; replaces aspartic acid 791 with asparagine.
Molecular consequence: missense variant.
Genome position (GRCh38, 1-based): chr21:46,126,186, G>A. VCF-style: chr21-46126186-G-A. GRCh37 (hg19) VCF-style: chr21-47546100-G-A.
Other names: c.2371G>A, p.Asp791Asn (NM_058174.3, NM_058175.3); short protein forms D791N.
Identifiers: ClinVar variation 543003 (VCV000543003.15), dbSNP rs1273249543, ClinGen allele CA410542845.